The following is an entry in ClinVar:

ClinVar aggregate classification (germline): Uncertain significance (1 of 4 stars; one submission).

Conditions:
Hereditary cancer-predisposing syndrome. Also called: Neoplastic Syndromes, Hereditary; Tumor predisposition; Hereditary neoplastic syndrome; Hereditary Cancer Syndrome. Identifiers: Orphanet 140162, MedGen C0027672, MeSH D009386, MONDO:0015356.

Submission:

Ambry Genetics
Classification: Uncertain significance for Hereditary cancer-predisposing syndrome. Last evaluated: 2022-12-14. Review status: criteria provided, single submitter. Criteria: Ambry Variant Classification Scheme 2023. Collection method: clinical testing. Allele origin: germline.
Comment: The p.A177G variant (also known as c.530C>G), located in coding exon 3 of the MSH3 gene, results from a C to G substitution at nucleotide position 530. The alanine at codon 177 is replaced by glycine, an amino acid with similar properties. This amino acid position is conserved. In addition, this alteration is predicted to be tolerated by in silico analysis. Since supporting evidence is limited at this time, the clinical significance of this alteration remains unclear.

NM_002439.5(MSH3):c.530C>G (p.Ala177Gly)

Gene: MSH3 (mutS homolog 3; plus strand). Cytogenetic location: 5q14.1.
Variant type: single nucleotide variant.
Coding change: c.530C>G on transcript NM_002439.5 (MANE Select); coding-DNA position 530, C replaced by G.
Protein change: p.Ala177Gly; replaces alanine 177 with glycine.
Molecular consequence: missense variant.
Genome position (GRCh38, 1-based): chr5:80,665,314, C>G. VCF-style: chr5-80665314-C-G. GRCh37 (hg19) VCF-style: chr5-79961133-C-G.
Other names: short protein forms A177G.
Identifiers: ClinVar variation 2451052 (VCV002451052.2), dbSNP rs778443399, ClinGen allele CA360264276.
Genomic context (GRCh38, chr5:80,665,314, plus strand): 5'-AGGAGAGATTTGCAGTTCTGCCAAAATGTACTGATTTTGATGATATCAGTCTTCTACACG[C>G]AAAGAATGCAGTTTCTTCTGAAGATTCGAAACGTCAAATTAATCAAAAGGTATGTAACTG-3'
Protein context (NP_002430.3, residues 167-187): TDFDDISLLH[Ala177Gly]KNAVSSEDSK